The following is an entry in ClinVar:

ClinVar aggregate classification (germline): Likely benign. Review status: criteria provided, multiple submitters, no conflicts (2 of 4 stars). 3 submissions from 3 submitters: Likely benign (3). Last evaluated 2019-06-09.

Conditions:
Primary ciliary dyskinesia 9. Also called: CILIARY DYSKINESIA, PRIMARY, 9, WITH OR WITHOUT SITUS INVERSUS. Identifiers: Orphanet 244, MedGen C2676235, MONDO:0012906, OMIM 612444.

Allele frequency attached by ClinVar (database versions not stated): gnomAD exomes 0.00890; TOPMed 0.01040; gnomAD 0.01132 and 0.01175; 1000 Genomes Project 0.01577; 1000 Genomes Project 30x 0.01671.
gnomAD v4.1: 15,011 of 1,609,948 alleles (0.93%); highest among the groups gnomAD compares: East Asian, 1.6%; 137 homozygotes.

Submissions (3):

GeneDx
Classification: Likely benign. Last evaluated: 2019-06-09. Review status: criteria provided, single submitter. Criteria: GeneDx Variant Classification Process June 2021. Collection method: clinical testing. Allele origin: germline. Affected: yes.

Illumina Laboratory Services, Illumina
Classification: Likely benign for Primary ciliary dyskinesia 9. Last evaluated: 2018-01-12. Review status: criteria provided, single submitter. Criteria: ICSL Variant Classification Criteria 13 December 2019. Collection method: clinical testing. Allele origin: germline.
Comment: This variant was observed in the ICSL laboratory as part of a predisposition screen in an ostensibly healthy population. It had not been previously curated by ICSL or reported in the Human Gene Mutation Database (HGMD: prior to June 1st, 2018), and was therefore a candidate for classification through an automated scoring system. Utilizing variant allele frequency, disease prevalence and penetrance estimates, and inheritance mode, an automated score was calculated to assess if this variant is too frequent to cause the disease. Based on the score and internal cut-off values, a variant classified as likely benign is not then subjected to further curation. The score for this variant resulted in a classification of likely benign for this disease.

Breakthrough Genomics
Classification: Likely benign. Review status: criteria provided, single submitter. Criteria: ACMG Guidelines, 2015. Collection method: not provided. Allele origin: germline. Inheritance: Autosomal recessive inheritance. Affected: yes.

NM_023036.6(DNAI2):c.55+6G>A

Gene: DNAI2 (dynein axonemal intermediate chain 2; plus strand). Cytogenetic location: 17q25.1.
Variant type: single nucleotide variant.
Coding change: c.55+6G>A on transcript NM_023036.6 (MANE Select); 6 bases into the intron after coding-DNA position 55, G replaced by A.
Molecular consequence: intron variant.
Genome position (GRCh38, 1-based): chr17:74,314,277, G>A. VCF-style: chr17-74314277-G-A. GRCh37 (hg19) VCF-style: chr17-72310416-G-A.
Other names: c.55+6G>A (NM_001353167.2, NM_001172810.3).
Identifiers: ClinVar variation 325026 (VCV000325026.9), dbSNP rs118104009, ClinGen allele CA10640473.
Genomic context (GRCh38, chr17:74,314,277, plus strand): 5'-AAGTCAGCCTTCGACTGCGGCGCTATCCCTGTGTGCCTTCCTTTCCCACCTCTTGGTATT[G>A]CCCCGCTCTCACAAGTGGGAGGCTGAGCTCCGCCTTAAAGCAGCACTGGGTGGTGGGCTG-3'